The following is an entry in ClinVar:

ClinVar aggregate classification (germline): Likely benign (1 of 4 stars; one submission).

Allele frequency attached by ClinVar (database versions not stated): gnomAD exomes 0.00017; gnomAD 0.00016 and 0.00010; TOPMed 0.00029 and 0.00025; ExAC 0.00015.

Submission:

GeneDx
Classification: Likely benign. Last evaluated: 2017-11-16. Review status: criteria provided, single submitter. Criteria: GeneDx Variant Classification (06012015). Collection method: clinical testing. Allele origin: germline. Affected: yes.
Comment: This variant is considered likely benign or benign based on one or more of the following criteria: it is a conservative change, it occurs at a poorly conserved position in the protein, it is predicted to be benign by multiple in silico algorithms, and/or has population frequency not consistent with disease.

NM_024301.5(FKRP):c.-30G>A

Gene: FKRP (fukutin related protein; plus strand). Cytogenetic location: 19q13.32.
Variant type: single nucleotide variant.
Coding change: c.-30G>A on transcript NM_024301.5 (MANE Select); 30 bases upstream of the start codon, G replaced by A.
Molecular consequence: 5 prime UTR variant.
Genome position (GRCh38, 1-based): chr19:46,755,421, G>A. VCF-style: chr19-46755421-G-A. GRCh37 (hg19) VCF-style: chr19-47258678-G-A.
Other names: c.-30G>A (NM_001039885.3).
Identifiers: ClinVar variation 513389 (VCV000513389.1), dbSNP rs765025603, ClinGen allele CA9532084.
Genomic context (GRCh38, chr19:46,755,421, plus strand): 5'-GGGTGGTTCTGACAATCAGCTGCTGCCTTCCCTTTCGTCCCCCTCCCCCAGGATGCCCCG[G>A]AGGCCCAGCTAGCCCCAGACTTCGGCCCCATGCGGCTCACCCGCTGCCAGGCTGCCCTGG-3'